The following is an entry in ClinVar:

NM_017514.5(PLXNA3):c.3571C>A (p.Arg1191=)

Gene: PLXNA3 (plexin A3; plus strand). Cytogenetic location: Xq28.
Variant type: single nucleotide variant.
Coding change: c.3571C>A on transcript NM_017514.5 (MANE Select); coding-DNA position 3571, C replaced by A.
Protein change: p.Arg1191=; no amino-acid change (arginine 1191 retained).
Molecular consequence: synonymous variant.
Genome position (GRCh38, 1-based): chrX:154,467,674, C>A. VCF-style: chrX-154467674-C-A. GRCh37 (hg19) VCF-style: chrX-153696017-C-A.
Identifiers: ClinVar variation 2661841 (VCV002661841.25), dbSNP rs146456043, ClinGen allele CA10564659.

ClinVar aggregate classification (germline): Likely benign. Review status: criteria provided, single submitter (1 of 4 stars). 2 submissions from 2 submitters: Likely benign (1). 1 of the submissions does not count toward it. Last evaluated 2022-09-01.

Conditions:
PLXNA3-related disorder. Also called: PLXNA3-related condition.

Allele frequency attached by ClinVar (database versions not stated): 1000 Genomes Project 30x 0.00021.
gnomAD v4.1: 69 of 1,207,756 alleles (0.0057%); highest among the groups gnomAD compares: Non-Finnish European, 0.0075%; no homozygotes.

Submissions (2):

CeGaT Center for Human Genetics Tuebingen
Classification: Likely benign. Last evaluated: 2022-09-01. Review status: criteria provided, single submitter. Criteria: CeGaT Center For Human Genetics Tuebingen Variant Classification Criteria Version 2. Collection method: clinical testing. Allele origin: germline. Affected: yes. Observed: 1 variant allele.
Comment: PLXNA3: BP4, BP7

PreventionGenetics, part of Exact Sciences
Classification: Likely benign for PLXNA3-related condition. Last evaluated: 2021-09-20. Review status: no assertion criteria provided. Collection method: clinical testing. Allele origin: germline. Not counted in ClinVar's aggregate classification.
Comment: This variant is classified as likely benign based on ACMG/AMP sequence variant interpretation guidelines (Richards et al. 2015 PMID: 25741868, with internal and published modifications).